The following is an entry in ClinVar:

NM_001267550.2(TTN):c.104233G>C (p.Glu34745Gln)

Genes: TTN-AS1 (TTN antisense RNA 1; plus strand), TTN (titin; minus strand). Cytogenetic location: 2q31.2.
Variant type: single nucleotide variant.
Coding change: c.104233G>C on transcript NM_001267550.2 (MANE Select); coding-DNA position 104233, G replaced by C.
Protein change: p.Glu34745Gln; replaces glutamic acid 34745 with glutamine.
Molecular consequence: missense variant.
Genome position (GRCh38, 1-based): chr2:178,532,382, C>G on the plus strand (G>C on the coding strand, the complement: TTN is on the minus strand). VCF-style: chr2-178532382-C-G. GRCh37 (hg19) VCF-style: chr2-179397109-C-G.
Other names: c.99310G>C, p.Glu33104Gln (NM_001256850.1); c.77038G>C, p.Glu25680Gln (NM_003319.4); c.96529G>C, p.Glu32177Gln (NM_133378.4); c.77413G>C, p.Glu25805Gln (NM_133432.3); c.77614G>C, p.Glu25872Gln (NM_133437.4); short protein forms E25805Q, E25872Q, E25680Q, E32177Q, E33104Q, E34745Q.
Identifiers: ClinVar variation 4792480 (VCV004792480.1).

ClinVar aggregate classification (germline): Uncertain significance (1 of 4 stars; one submission).

Conditions:
Autosomal recessive limb-girdle muscular dystrophy type 2J (LGMDR10). Also called: Limb-girdle muscular dystrophy, type 2J; MUSCULAR DYSTROPHY, LIMB-GIRDLE, AUTOSOMAL RECESSIVE 10. Identifiers: Orphanet 140922, MedGen C1837342, MONDO:0012127, OMIM 608807.
Dilated cardiomyopathy 1G (CMD1G). Identifiers: Orphanet 154, MedGen C1858763, MONDO:0011400, OMIM 604145.

gnomAD v4.1: 1 of 1,614,014 alleles (0.000062%); highest among the groups gnomAD compares: Non-Finnish European, 0.000085%; no homozygotes.

Submission:

Labcorp Genetics (formerly Invitae), Labcorp
Classification: Uncertain significance for Dilated cardiomyopathy 1G; Autosomal recessive limb-girdle muscular dystrophy type 2J. Last evaluated: 2025-02-19. Review status: criteria provided, single submitter. Criteria: Invitae Variant Classification Sherloc (09022015). Collection method: clinical testing. Allele origin: germline.
Comment: This sequence change replaces glutamic acid, which is acidic and polar, with glutamine, which is neutral and polar, at codon 34745 of the TTN protein (p.Glu34745Gln). This variant is not present in population databases (gnomAD no frequency). This variant has not been reported in the literature in individuals affected with TTN-related conditions. Experimental studies and prediction algorithms are not available or were not evaluated, and the functional significance of this variant is currently unknown. This variant is located in the M band of TTN (PMID: 25589632). Non-truncating variants in this region may be relevant for neuromuscular disorders, but have not been definitively shown to cause cardiomyopathy (PMID: 23975875). In summary, the available evidence is currently insufficient to determine the role of this variant in disease. Therefore, it has been classified as a Variant of Uncertain Significance.

Literature cited by the submitters: PubMed 25589632; PubMed 23975875.